The following is an entry in ClinVar:

NM_000443.4(ABCB4):c.174G>A (p.Ser58=)

Gene: ABCB4 (ATP binding cassette subfamily B member 4; minus strand). Cytogenetic location: 7q21.12.
Variant type: single nucleotide variant.
Coding change: c.174G>A on transcript NM_000443.4 (MANE Select); coding-DNA position 174, G replaced by A.
Protein change: p.Ser58=; no amino-acid change (serine 58 retained).
Molecular consequence: synonymous variant.
Genome position (GRCh38, 1-based): chr7:87,462,870, C>T on the plus strand (G>A on the coding strand, the complement: ABCB4 is on the minus strand). VCF-style: chr7-87462870-C-T. GRCh37 (hg19) VCF-style: chr7-87092186-C-T.
Other names: c.174G>A (NM_000443.3); c.174G>A, p.Ser58= (NM_018849.3, NM_018850.3).
Identifiers: ClinVar variation 598514 (VCV000598514.9), dbSNP rs772771936, ClinGen allele CA4327600.

ClinVar aggregate classification (germline): Conflicting classifications of pathogenicity. Review status: criteria provided, conflicting classifications (1 of 4 stars). 3 submissions from 3 submitters: Uncertain significance (1); Likely benign (2). Last evaluated 2025-12-17.

Conditions:
ABCB4-related disorder. Also called: ABCB4-related disorders; ABCB4-related condition.

Allele frequency attached by ClinVar (database versions not stated): gnomAD 0.00001; TOPMed 0.00002; ExAC 0.00003; gnomAD exomes 0.00003.
gnomAD v4.1: 42 of 1,613,366 alleles (0.0026%); highest among the groups gnomAD compares: Admixed American, 0.005%; no homozygotes.

Submissions (3):

Labcorp Genetics (formerly Invitae), Labcorp
Classification: Likely benign. Last evaluated: 2025-12-17. Review status: criteria provided, single submitter. Criteria: Invitae Variant Classification Sherloc (09022015). Collection method: clinical testing. Allele origin: germline.

PreventionGenetics, part of Exact Sciences
Classification: Likely benign for ABCB4-related condition. Last evaluated: 2025-01-28. Review status: criteria provided, single submitter. Criteria: ACMG Guidelines, 2015. Collection method: clinical testing. Allele origin: germline.
Comment: This variant is classified as likely benign based on ACMG/AMP sequence variant interpretation guidelines (Richards et al. 2015 PMID: 25741868, with internal and published modifications).

Eurofins Ntd Llc (ga)
Classification: Uncertain significance. Last evaluated: 2018-08-24. Review status: criteria provided, single submitter. Criteria: EGL ClinVar v180209 classification definitions. Collection method: clinical testing. Allele origin: germline. Observed: 1 variant allele, 1 heterozygote.